The following is an entry in ClinVar:

ClinVar aggregate classification (germline): Uncertain significance (1 of 4 stars; one submission).

Conditions:
Aortic aneurysm, familial thoracic 7 (AAT7). Also called: AORTIC DISSECTION, FAMILIAL, WITH OR WITHOUT AORTIC ANEURYSM. Identifiers: MedGen C3151077, MONDO:0013418, OMIM 613780.

Submission:

Labcorp Genetics (formerly Invitae), Labcorp
Classification: Uncertain significance for Aortic aneurysm, familial thoracic 7. Last evaluated: 2026-01-04. Review status: criteria provided, single submitter. Criteria: Invitae Variant Classification Sherloc (09022015). Collection method: clinical testing. Allele origin: germline.
Comment: This sequence change replaces tyrosine, which is neutral and polar, with aspartic acid, which is acidic and polar, at codon 1575 of the MYLK protein (p.Tyr1575Asp). This variant is not present in population databases (gnomAD no frequency). This variant has not been reported in the literature in individuals affected with MYLK-related conditions. Invitae Evidence Modeling of protein sequence and biophysical properties (such as structural, functional, and spatial information, amino acid conservation, physicochemical variation, residue mobility, and thermodynamic stability) indicates that this missense variant is not expected to disrupt MYLK protein function with a negative predictive value of 80%. In summary, the available evidence is currently insufficient to determine the role of this variant in disease. Therefore, it has been classified as a Variant of Uncertain Significance.

NM_053025.4(MYLK):c.4723T>G (p.Tyr1575Asp)

Gene: MYLK (myosin light chain kinase; minus strand). Cytogenetic location: 3q21.1.
Variant type: single nucleotide variant.
Coding change: c.4723T>G on transcript NM_053025.4 (MANE Select); coding-DNA position 4723, T replaced by G.
Protein change: p.Tyr1575Asp; replaces tyrosine 1575 with aspartic acid.
Molecular consequence: missense variant.
Genome position (GRCh38, 1-based): chr3:123,640,401, A>C on the plus strand (T>G on the coding strand, the complement: MYLK is on the minus strand). VCF-style: chr3-123640401-A-C. GRCh37 (hg19) VCF-style: chr3-123359248-A-C.
Other names: c.4195T>G, p.Tyr1399Asp (NM_001321309.2); c.4516T>G, p.Tyr1506Asp (NM_053026.4, NM_053028.4); c.4723T>G, p.Tyr1575Asp (NM_053027.4); short protein forms Y1399D, Y1506D, Y1575D.
Identifiers: ClinVar variation 4740564 (VCV004740564.1).